The following is an entry in ClinVar:

NM_000059.4(BRCA2):c.8237C>G (p.Thr2746Arg)

Gene: BRCA2 (BRCA2 DNA repair associated; plus strand). Cytogenetic location: 13q13.1.
Variant type: single nucleotide variant.
Coding change: c.8237C>G on transcript NM_000059.4 (MANE Select); coding-DNA position 8237, C replaced by G.
Protein change: p.Thr2746Arg; replaces threonine 2746 with arginine.
Molecular consequence: missense variant.
Genome position (GRCh38, 1-based): chr13:32,363,439, C>G. VCF-style: chr13-32363439-C-G. GRCh37 (hg19) VCF-style: chr13-32937576-C-G.
Other names: short protein forms T2746R.
Identifiers: ClinVar variation 947298 (VCV000947298.10), dbSNP rs2072759615, ClinGen allele CA387749886.
Genomic context (GRCh38, chr13:32,363,439, plus strand): 5'-ATGCTGTTAAGGCCCAGTTAGATCCTCCCCTCTTAGCTGTCTTAAAGAATGGCAGACTGA[C>G]AGTTGGTCAGAAGATTATTCTTCATGGAGCAGAACTGGTGGGCTCTCCTGATGCCTGTAC-3'
Protein context (NP_000050.3, residues 2736-2756): LLAVLKNGRL[Thr2746Arg]VGQKIILHGA

ClinVar aggregate classification (germline): Uncertain significance (1 of 4 stars; one submission).

Conditions:
Hereditary breast ovarian cancer syndrome. Also called: Hereditary breast and/or ovarian cancer syndrome; Hereditary breast and ovarian cancer syndrome; Hereditary breast and ovarian cancer syndrome (HBOC); Breast and ovarian cancer; BRCA1- and BRCA2-Associated Hereditary Breast and Ovarian Cancer; Hereditary breast and ovarian cancer. Identifiers: Orphanet 145, MedGen C0677776, MeSH D061325, MONDO:0003582. Disease mechanism: loss of function.

gnomAD v4.1: 1 of 1,614,136 alleles (0.000062%); highest among the groups gnomAD compares: Non-Finnish European, 0.000085%; no homozygotes.

Submission:

Labcorp Genetics (formerly Invitae), Labcorp
Classification: Uncertain significance for Hereditary breast ovarian cancer syndrome. Last evaluated: 2019-11-05. Review status: criteria provided, single submitter. Criteria: Invitae Variant Classification Sherloc (09022015). Collection method: clinical testing. Allele origin: germline.
Comment: This sequence change replaces threonine with arginine at codon 2746 of the BRCA2 protein (p.Thr2746Arg). The threonine residue is moderately conserved and there is a moderate physicochemical difference between threonine and arginine. This variant is not present in population databases (ExAC no frequency). This variant has not been reported in the literature in individuals with BRCA2-related conditions. Algorithms developed to predict the effect of missense changes on protein structure and function are either unavailable or do not agree on the potential impact of this missense change (SIFT: "Tolerated"; PolyPhen-2: "Possibly Damaging"; Align-GVGD: "Class C0"). In summary, the available evidence is currently insufficient to determine the role of this variant in disease. Therefore, it has been classified as a Variant of Uncertain Significance.